The following is an entry in ClinVar:

ClinVar aggregate classification (germline): Likely benign (1 of 4 stars; one submission).

Allele frequency attached by ClinVar (database versions not stated): gnomAD 0.00001; gnomAD exomes 0.00001; ExAC 0.00002.
gnomAD v4.1: 20 of 1,614,064 alleles (0.0012%); highest among the groups gnomAD compares: South Asian, 0.0077%; no homozygotes.

Submission:

CeGaT Center for Human Genetics Tuebingen
Classification: Likely benign. Last evaluated: 2024-04-01. Review status: criteria provided, single submitter. Criteria: CeGaT Center For Human Genetics Tuebingen Variant Classification Criteria Version 2. Collection method: clinical testing. Allele origin: germline. Affected: yes. Observed: 1 variant allele.
Comment: KDM3B: BP4, BP7

NM_016604.4(KDM3B):c.1507T>C (p.Leu503=)

Gene: KDM3B (lysine demethylase 3B; plus strand). Cytogenetic location: 5q31.2.
Variant type: single nucleotide variant.
Coding change: c.1507T>C on transcript NM_016604.4 (MANE Select); coding-DNA position 1507, T replaced by C.
Protein change: p.Leu503=; no amino-acid change (leucine 503 retained).
Molecular consequence: synonymous variant.
Genome position (GRCh38, 1-based): chr5:138,391,139, T>C. VCF-style: chr5-138391139-T-C. GRCh37 (hg19) VCF-style: chr5-137726828-T-C.
Identifiers: ClinVar variation 3234710 (VCV003234710.20), dbSNP rs762297293, ClinGen allele CA3428927.